The following is an entry in ClinVar:

ClinVar aggregate classification (germline): Uncertain significance (1 of 4 stars; one submission).

gnomAD v4.1: 3 of 1,613,576 alleles (0.00019%); highest among the groups gnomAD compares: Non-Finnish European, 0.00025%; no homozygotes.

Submission:

GeneDx
Classification: Uncertain significance. Last evaluated: 2024-11-25. Review status: criteria provided, single submitter. Criteria: GeneDx Variant Classification Process June 2021. Collection method: clinical testing. Allele origin: germline. Affected: yes.
Comment: Not observed at significant frequency in large population cohorts (gnomAD); In silico analysis supports that this missense variant has a deleterious effect on protein structure/function; Has not been previously published as pathogenic or benign to our knowledge

NM_003477.3(PDHX):c.913G>C (p.Ala305Pro)

Gene: PDHX (pyruvate dehydrogenase complex component X; plus strand). Cytogenetic location: 11p13.
Variant type: single nucleotide variant.
Coding change: c.913G>C on transcript NM_003477.3 (MANE Select); coding-DNA position 913, G replaced by C.
Protein change: p.Ala305Pro; replaces alanine 305 with proline.
Molecular consequence: missense variant. On other transcripts: intron variant (1).
Genome position (GRCh38, 1-based): chr11:34,970,235, G>C. VCF-style: chr11-34970235-G-C. GRCh37 (hg19) VCF-style: chr11-34991782-G-C.
Other names: c.733G>C, p.Ala245Pro (NM_001135024.2); c.343-14335G>C (NM_001166158.2); short protein forms A245P, A305P.
Identifiers: ClinVar variation 3900572 (VCV003900572.1).
Genomic context (GRCh38, chr11:34,970,235, plus strand): 5'-AGAGTTATTGCCAAGAGATTAACTGAATCTAAAAGTACTGTACCTCATGCATATGCTACT[G>C]CTGACTGTGACCTTGGAGCTGTTTTAAAAGTTAGGCAAGATCTGGTCAAAGGTTAGTAAA-3'
Protein context (NP_003468.2, residues 295-315): KSTVPHAYAT[Ala305Pro]DCDLGAVLKV